The following is an entry in ClinVar:

ClinVar aggregate classification (germline): Likely benign. Review status: criteria provided, multiple submitters, no conflicts (2 of 4 stars). 3 submissions from 3 submitters: Likely benign (3). Last evaluated 2023-12-18.

Conditions:
Arrhythmogenic right ventricular dysplasia 9 (ARVD9). Also called: ARRHYTHMOGENIC RIGHT VENTRICULAR DYSPLASIA, FAMILIAL, 9; Arrhythmogenic Right Ventricular Dysplasia/Cardiomyopathy 9. Identifiers: MedGen C1836906, MONDO:0012180, OMIM 609040.
Cardiomyopathy (CMYO). Also called: Cardiomyopathies. Identifiers: Orphanet 167848, MedGen C0878544, MONDO:0004994, HP:0001638. Inheritance: Various modes of inheritance.
Arrhythmogenic right ventricular cardiomyopathy (ARVD). Also called: Arrhythmogenic right ventricular dysplasia; Cardiomyopathy, ARVC; Arrhythmogenic cardiomyopathy; Arrhythmogenic Right Ventricular Cardiomyopathy (ARVC). Identifiers: Orphanet 247, MedGen C0349788, MeSH D019571, MONDO:0016587. Disease mechanism: loss of function. Inheritance: Various modes of inheritance.

Submissions (3):

All of Us Research Program, National Institutes of Health
Classification: Likely benign for Arrhythmogenic right ventricular cardiomyopathy. Last evaluated: 2023-12-18. Review status: criteria provided, single submitter. Criteria: ACMG Guidelines, 2015. Collection method: clinical testing. Allele origin: germline. Inheritance: Autosomal dominant inheritance. Observed: 1 variant allele, 1 heterozygote.
Comment: This study involves interpretation of variants in research participants for the purpose of population health screening. Participant phenotype was not available at the time of variant classification. Additional details can be found in publication PMID: 35346344, PMCID: PMC8962531

Labcorp Genetics (formerly Invitae), Labcorp
Classification: Likely benign for Arrhythmogenic right ventricular dysplasia 9. Last evaluated: 2023-03-18. Review status: criteria provided, single submitter. Criteria: Invitae Variant Classification Sherloc (09022015). Collection method: clinical testing. Allele origin: germline.

Color Diagnostics, LLC DBA Color Health
Classification: Likely benign for Cardiomyopathy. Last evaluated: 2021-11-02. Review status: criteria provided, single submitter. Criteria: ACMG Guidelines, 2015. Collection method: clinical testing. Allele origin: germline.

NM_001005242.3(PKP2):c.954C>T (p.His318=)

Gene: PKP2 (plakophilin 2; minus strand). Cytogenetic location: 12p11.21.
Variant type: single nucleotide variant.
Coding change: c.954C>T on transcript NM_001005242.3 (MANE Select); coding-DNA position 954, C replaced by T.
Protein change: p.His318=; no amino-acid change (histidine 318 retained).
Molecular consequence: synonymous variant.
Genome position (GRCh38, 1-based): chr12:32,877,926, G>A on the plus strand (C>T on the coding strand, the complement: PKP2 is on the minus strand). VCF-style: chr12-32877926-G-A. GRCh37 (hg19) VCF-style: chr12-33030860-G-A.
Other names: c.954C>T, p.His318= (NM_001407155.1, NM_001407156.1, NM_001407157.1 and 2 more transcripts); c.627C>T, p.His209= (NM_001407158.1, NM_001407159.1, NM_001407160.1 and 1 more transcripts).
Identifiers: ClinVar variation 2774103 (VCV002774103.6), dbSNP rs2137946331, ClinGen allele CA479387069.